The following is an entry in ClinVar:

ClinVar aggregate classification (germline): Uncertain significance. Review status: criteria provided, multiple submitters, no conflicts (2 of 4 stars). 2 submissions from 2 submitters: Uncertain significance (2). Last evaluated 2025-11-10.

Conditions:
Familial thoracic aortic aneurysm and aortic dissection (TAAD). Also called: Thoracic aortic aneurysms and dissections. Identifiers: Orphanet 91387, MedGen C4707243, MONDO:0019625.

gnomAD v4.1: 1 of 1,614,044 alleles (0.000062%); highest among the groups gnomAD compares: African/African-American, 0.0013%; no homozygotes.

Submissions (2):

Ambry Genetics
Classification: Uncertain significance for Familial thoracic aortic aneurysm and aortic dissection. Last evaluated: 2025-11-10. Review status: criteria provided, single submitter. Criteria: Ambry Variant Classification Scheme 2023. Collection method: clinical testing. Allele origin: germline.
Comment: The p.I519L variant (also known as c.1555A>C), located in coding exon 12 of the MYH11 gene, results from an A to C substitution at nucleotide position 1555. The isoleucine at codon 519 is replaced by leucine, an amino acid with highly similar properties. This amino acid position is conserved. In addition, the in silico prediction for this alteration is inconclusive. Based on the available evidence, the clinical significance of this variant remains unclear.

All of Us Research Program, National Institutes of Health
Classification: Uncertain significance for Familial thoracic aortic aneurysm and aortic dissection. Last evaluated: 2024-03-24. Review status: criteria provided, single submitter. Criteria: ACMG Guidelines, 2015. Collection method: clinical testing. Allele origin: germline. Inheritance: Autosomal dominant inheritance. Observed: 1 variant allele, 1 heterozygote.
Comment: This missense variant replaces isoleucine with leucine at codon 526 of the MYH11 protein. Computational prediction is inconclusive regarding the impact of this variant on protein structure and function (internally defined REVEL score threshold 0.5 < inconclusive < 0.7, PMID: 27666373). To our knowledge, functional studies have not been reported for this variant. This variant has not been reported in individuals affected with MYH11-related disorders in the literature. This variant has not been identified in the general population by the Genome Aggregation Database (gnomAD). The available evidence is insufficient to determine the role of this variant in disease conclusively. Therefore, this variant is classified as a Variant of Uncertain Significance.

This study involves interpretation of variants in research participants for the purpose of population health screening. Participant phenotype was not available at the time of variant classification. Additional details can be found in publication PMID: 35346344, PMCID: PMC8962531

NM_002474.3(MYH11):c.1555A>C (p.Ile519Leu)

Gene: MYH11 (myosin heavy chain 11; minus strand). Cytogenetic location: 16p13.11.
Variant type: single nucleotide variant.
Coding change: c.1555A>C on transcript NM_002474.3 (MANE Select); coding-DNA position 1555, A replaced by C.
Protein change: p.Ile519Leu; replaces isoleucine 519 with leucine.
Molecular consequence: missense variant.
Genome position (GRCh38, 1-based): chr16:15,757,847, T>G on the plus strand (A>C on the coding strand, the complement: MYH11 is on the minus strand). VCF-style: chr16-15757847-T-G. GRCh37 (hg19) VCF-style: chr16-15851704-T-G.
Other names: c.1576A>C, p.Ile526Leu (NM_001040113.2, NM_001040114.2); c.1555A>C, p.Ile519Leu (NM_022844.3); c.1555A>C (NM_002474.2); short protein forms I519L, I526L.
Identifiers: ClinVar variation 3387236 (VCV003387236.2).